The following is an entry in ClinVar:

NM_000478.6(ALPL):c.862+1G>A

Gene: ALPL (alkaline phosphatase, biomineralization associated; plus strand). Cytogenetic location: 1p36.12.
Variant type: single nucleotide variant.
Coding change: c.862+1G>A on transcript NM_000478.6 (MANE Select); the canonical splice donor site of the intron after coding-DNA position 862, G replaced by A.
Molecular consequence: splice donor variant.
Genome position (GRCh38, 1-based): chr1:21,570,375, G>A. VCF-style: chr1-21570375-G-A. GRCh37 (hg19) VCF-style: chr1-21896868-G-A.
Other names: c.862+1G>A (NM_001369805.2, NM_001369804.2, NM_001369803.2); c.697+1G>A (NM_001127501.4); c.631+1G>A (NM_001177520.3).
Identifiers: ClinVar variation 553756 (VCV000553756.4), dbSNP rs1553413512, ClinGen allele CA338880022.

ClinVar aggregate classification (germline): Pathogenic. Review status: criteria provided, multiple submitters, no conflicts (2 of 4 stars). 3 submissions from 3 submitters: Pathogenic (2). 1 of the submissions does not count toward it. Last evaluated 2025-08-29.

Conditions:
Adult hypophosphatasia. Identifiers: Orphanet 247676, Orphanet 436, MedGen C0268413, MONDO:1010154, OMIM 146300, MONDO:0007798.
Infantile hypophosphatasia. Identifiers: Orphanet 247651, Orphanet 436, MedGen C0268412, MONDO:1010169, OMIM 241500, MONDO:0009427.
Hypophosphatasia. Also called: Phosphoethanol-aminuria. Identifiers: Orphanet 436, MedGen C0020630, MeSH D007014, MONDO:0018570.

Submissions (3):

Genomenon, Inc
Classification: Pathogenic for Hypophosphatasia. Last evaluated: 2025-08-29. Review status: criteria provided, single submitter. Criteria: Genomenon Sequence Variant Interpretation Standards. Collection method: curation. Allele origin: germline. Affected: yes.
Comment: ALPL c.862+1G>A is a canonical splice variant located in the donor splice region of intron 8. This variant has been observed in at least one proband affected with hypophosphatasia (PMID:36444396). It is absent or not present at a significant frequency in gnomAD. In conclusion, we classify ALPL c.862+1G>A as a pathogenic variant.

Baylor Genetics
Classification: Pathogenic for Adult hypophosphatasia. Last evaluated: 2024-01-27. Review status: criteria provided, single submitter. Criteria: ACMG Guidelines, 2015. Collection method: clinical testing. Allele origin: unknown.

Counsyl
Classification: Likely pathogenic for Infantile hypophosphatasia. Last evaluated: 2017-09-06. Review status: no assertion criteria provided. Collection method: clinical testing. Allele origin: unknown. Not counted in ClinVar's aggregate classification.

Literature cited by the submitters: PubMed 36444396 (cited by Genomenon, Inc).